The following is an entry in ClinVar:

NM_144596.4(TTC8):c.855A>C (p.Leu285Phe)

Gene: TTC8 (tetratricopeptide repeat domain 8; plus strand). Cytogenetic location: 14q31.3.
Variant type: single nucleotide variant.
Coding change: c.855A>C on transcript NM_144596.4 (MANE Select); coding-DNA position 855, A replaced by C.
Protein change: p.Leu285Phe; replaces leucine 285 with phenylalanine.
Molecular consequence: missense variant. On other transcripts: non-coding transcript variant (1).
Genome position (GRCh38, 1-based): chr14:88,861,278, A>C. VCF-style: chr14-88861278-A-C. GRCh37 (hg19) VCF-style: chr14-89327622-A-C.
Other names: c.903A>C, p.Leu301Phe (NM_001288781.1); c.261A>C, p.Leu87Phe (NM_001288782.1); c.138A>C, p.Leu46Phe (NM_001288783.1); c.825A>C, p.Leu275Phe (NM_001366535.2, NM_198309.3); c.735A>C, p.Leu245Phe (NM_001366536.2, NM_198310.3); c.855A>C (NM_144596.3); short protein forms L46F, L87F, L275F, L245F, L285F, L301F.
Identifiers: ClinVar variation 933395 (VCV000933395.11), dbSNP rs774379732, ClinGen allele CA7302610.

ClinVar aggregate classification (germline): Uncertain significance. Review status: criteria provided, multiple submitters, no conflicts (2 of 4 stars). 4 submissions from 4 submitters: Uncertain significance (3). 1 of the submissions does not count toward it. Last evaluated 2024-05-28.

Conditions:
TTC8-related disorder. Also called: TTC8-related condition.
Retinitis pigmentosa 51 (RP51). Identifiers: Orphanet 791, MedGen C3150715, MONDO:0013274, OMIM 613464.
Bardet-Biedl syndrome 8 (BBS8). Identifiers: Orphanet 110, MedGen C1859566, MONDO:0014436, OMIM 615985.
Bardet-Biedl syndrome (BBS). Identifiers: Orphanet 110, MedGen C0752166, MONDO:0015229.

Allele frequency attached by ClinVar (database versions not stated): gnomAD exomes 0.00001; ExAC 0.00002; gnomAD 0.00002; TOPMed 0.00002.
gnomAD v4.1: 13 of 1,612,954 alleles (0.00081%); highest among the groups gnomAD compares: African/African-American, 0.0013%; no homozygotes.

Submissions (4):

Fulgent Genetics
Classification: Uncertain significance for Retinitis pigmentosa 51; Bardet-Biedl syndrome 8. Last evaluated: 2024-05-28. Review status: criteria provided, single submitter. Criteria: ACMG Guidelines, 2015. Collection method: clinical testing. Allele origin: germline.

Blueprint Genetics
Classification: Uncertain significance. Last evaluated: 2021-09-14. Review status: criteria provided, single submitter. Criteria: ACMG Guidelines, 2015. Collection method: clinical testing. Allele origin: germline.

Labcorp Genetics (formerly Invitae), Labcorp
Classification: Uncertain significance for Bardet-Biedl syndrome. Last evaluated: 2021-09-01. Review status: criteria provided, single submitter. Criteria: Invitae Variant Classification Sherloc (09022015). Collection method: clinical testing. Allele origin: germline.
Comment: This sequence change replaces leucine with phenylalanine at codon 275 of the TTC8 protein (p.Leu275Phe). The leucine residue is highly conserved and there is a small physicochemical difference between leucine and phenylalanine. This variant is present in population databases (rs774379732, ExAC 0.02%). This variant has not been reported in the literature in individuals affected with TTC8-related conditions. Algorithms developed to predict the effect of missense changes on protein structure and function are either unavailable or do not agree on the potential impact of this missense change (SIFT: "Deleterious"; PolyPhen-2: "Possibly Damaging"; Align-GVGD: "Class C0"). In summary, the available evidence is currently insufficient to determine the role of this variant in disease. Therefore, it has been classified as a Variant of Uncertain Significance.

PreventionGenetics, part of Exact Sciences
Classification: Uncertain significance for TTC8-related condition. Last evaluated: 2024-06-04. Review status: no assertion criteria provided. Collection method: clinical testing. Allele origin: germline. Not counted in ClinVar's aggregate classification.
Comment: The TTC8 c.855A>C variant is predicted to result in the amino acid substitution p.Leu285Phe. To our knowledge, this variant has not been reported in the literature. This variant is reported in 0.0080% of alleles in individuals of African descent in gnomAD. At this time, the clinical significance of this variant is uncertain due to the absence of conclusive functional and genetic evidence.